The following is an entry in ClinVar:

NM_004360.5(CDH1):c.1828C>T (p.Gln610Ter)

Gene: CDH1 (cadherin 1; plus strand). Cytogenetic location: 16q22.1.
Variant type: single nucleotide variant.
Coding change: c.1828C>T on transcript NM_004360.5 (MANE Select); coding-DNA position 1828, C replaced by T.
Protein change: p.Gln610Ter; replaces glutamine 610 with a stop codon.
Molecular consequence: nonsense. On other transcripts: 5 prime UTR variant (1).
Genome position (GRCh38, 1-based): chr16:68,822,117, C>T. VCF-style: chr16-68822117-C-T. GRCh37 (hg19) VCF-style: chr16-68856020-C-T.
Other names: c.1645C>T, p.Gln549Ter (NM_001317184.2); c.280C>T, p.Gln94Ter (NM_001317185.2); c.-138C>T (NM_001317186.2); short protein forms Q610*, Q94*, Q549*.
Identifiers: ClinVar variation 2006325 (VCV002006325.6), dbSNP rs2152138392, ClinGen allele CA396466891.

ClinVar aggregate classification (germline): Pathogenic. Review status: criteria provided, multiple submitters, no conflicts (2 of 4 stars). 2 submissions from 2 submitters: Pathogenic (2). Last evaluated 2023-06-14.

Conditions:
Hereditary diffuse gastric adenocarcinoma (HDGC). Also called: DIFFUSE GASTRIC AND LOBULAR BREAST CANCER SYNDROME. Identifiers: Orphanet 26106, MedGen C1708349, MONDO:0007648, OMIM 137215.

Submissions (2):

Myriad Genetics, Inc.
Classification: Pathogenic for Hereditary diffuse gastric adenocarcinoma. Last evaluated: 2023-06-14. Review status: criteria provided, single submitter. Criteria: Myriad Autosomal Dominant, Autosomal Recessive and X-Linked Classification Criteria (2023). Collection method: clinical testing. Allele origin: unknown.
Comment: This variant is considered pathogenic. This variant creates a termination codon and is predicted to result in premature protein truncation.

Labcorp Genetics (formerly Invitae), Labcorp
Classification: Pathogenic for Hereditary diffuse gastric adenocarcinoma. Last evaluated: 2023-03-07. Review status: criteria provided, single submitter. Criteria: Invitae Variant Classification Sherloc (09022015). Collection method: clinical testing. Allele origin: germline.
Comment: For these reasons, this variant has been classified as Pathogenic. ClinVar contains an entry for this variant (Variation ID: 2006325). This variant has not been reported in the literature in individuals affected with CDH1-related conditions. This variant is not present in population databases (gnomAD no frequency). This sequence change creates a premature translational stop signal (p.Gln610*) in the CDH1 gene. It is expected to result in an absent or disrupted protein product. Loss-of-function variants in CDH1 are known to be pathogenic (PMID: 15235021, 20373070).

Literature cited by the submitters: PubMed 15235021 (cited by Labcorp Genetics (formerly Invitae), Labcorp); PubMed 20373070 (cited by Labcorp Genetics (formerly Invitae), Labcorp).